The following is an entry in ClinVar:

NM_002693.3(POLG):c.811G>A (p.Val271Ile)

Gene: POLG (DNA polymerase gamma, catalytic subunit; minus strand). Cytogenetic location: 15q26.1.
Variant type: single nucleotide variant.
Coding change: c.811G>A on transcript NM_002693.3 (MANE Select); coding-DNA position 811, G replaced by A.
Protein change: p.Val271Ile; replaces valine 271 with isoleucine.
Molecular consequence: missense variant.
Genome position (GRCh38, 1-based): chr15:89,330,125, C>T on the plus strand (G>A on the coding strand, the complement: POLG is on the minus strand). VCF-style: chr15-89330125-C-T. GRCh37 (hg19) VCF-style: chr15-89873356-C-T.
Other names: c.811G>A, p.Val271Ile (NM_001126131.2); short protein forms V271I.
Identifiers: ClinVar variation 1409890 (VCV001409890.6), dbSNP rs2141806409, ClinGen allele CA393766729.
Genomic context (GRCh38, chr15:89,330,125, plus strand): 5'-GCCCCAGGAACCTTACCTGGATCAGGTACTGCTCCCTGATATGAGCTCGGTCAAAGGAAA[C>T]ATTGTGCCCCACCACTAACTGCTCCTGCCAGTCTCTCTGGGTGGGGCTGCTGGCACCAGT-3'
Protein context (NP_002684.1, residues 261-281): WQEQLVVGHN[Val271Ile]SFDRAHIREQ

ClinVar aggregate classification (germline): Uncertain significance (1 of 4 stars; one submission).

Conditions:
Progressive sclerosing poliodystrophy (MTDPS4A). Also called: Mitochondrial DNA depletion syndrome 4A (Alpers type); ALPERS PROGRESSIVE INFANTILE POLIODYSTROPHY; NEURONAL DEGENERATION OF CHILDHOOD WITH LIVER DISEASE, PROGRESSIVE; Mitochondrial DNA Depletion Syndrome 4A; Alpers-Huttenlocher Syndrome (AHS); Alpers Syndrome. Identifiers: Orphanet 726, MedGen C0205710, MONDO:0008758, OMIM 203700.

Submission:

Labcorp Genetics (formerly Invitae), Labcorp
Classification: Uncertain significance for Progressive sclerosing poliodystrophy. Last evaluated: 2024-08-07. Review status: criteria provided, single submitter. Criteria: Invitae Variant Classification Sherloc (09022015). Collection method: clinical testing. Allele origin: germline.
Comment: This sequence change replaces valine, which is neutral and non-polar, with isoleucine, which is neutral and non-polar, at codon 271 of the POLG protein (p.Val271Ile). This variant is not present in population databases (gnomAD no frequency). This variant has not been reported in the literature in individuals affected with POLG-related conditions. ClinVar contains an entry for this variant (Variation ID: 1409890). Advanced modeling of protein sequence and biophysical properties (such as structural, functional, and spatial information, amino acid conservation, physicochemical variation, residue mobility, and thermodynamic stability) performed at Invitae indicates that this missense variant is not expected to disrupt POLG protein function with a negative predictive value of 95%. In summary, the available evidence is currently insufficient to determine the role of this variant in disease. Therefore, it has been classified as a Variant of Uncertain Significance.